The following is an entry in ClinVar:

ClinVar aggregate classification (germline): Uncertain significance (1 of 4 stars; one submission).

Conditions:
Inborn genetic diseases. Identifiers: MedGen C0950123, MeSH D030342.

Submission:

Ambry Genetics
Classification: Uncertain significance for Inborn genetic diseases. Last evaluated: 2022-01-28. Review status: criteria provided, single submitter. Criteria: Ambry Variant Classification Scheme 2023. Collection method: clinical testing. Allele origin: germline.
Comment: The c.1425_1427delCCT (p.L476del) alteration is located in exon 15 (coding exon 13) of the PRMT7 gene. This alteration consists of an in-frame deletion of 3 nucleotides between nucleotide positions c.1425 and c.1427, resulting in the deletion of 1 residue. Based on insufficient or conflicting evidence, the clinical significance of this alteration remains unclear.

NM_019023.5(PRMT7):c.1422CCT[1] (p.Leu476del)

Gene: PRMT7 (protein arginine methyltransferase 7; plus strand). Cytogenetic location: 16q22.1.
Variant type: Microsatellite.
Coding change: c.1422CCT[1] on transcript NM_019023.5 (MANE Select); one copy of the 3-base unit CCT starting at c.1422; the reference has two copies in a row; one copy, 3 bases deleted.
Protein change: p.Leu476del; deletes leucine 476.
Molecular consequence: inframe deletion. On other transcripts: non-coding transcript variant (12).
Genome position (GRCh38, 1-based): chr16:68,352,259-68,352,261, CCT deleted; deleting any 3 consecutive bases within chr16:68,352,254-68,352,261 gives the same sequence; the position shown is the placement nearest the transcript's 3' end. VCF-style (leftmost placement, unchanged base first): chr16-68352253-TCTC-T. GRCh37 (hg19) VCF-style: chr16-68386156-TCTC-T.
Other names: c.1272CCT[1], p.Leu426del (NM_001184824.4); c.1422CCT[1], p.Leu476del (NM_001290018.2, NM_001351143.3, NM_001351144.3 and 1 more transcripts); c.1215CCT[1], p.Leu407del (NM_001378020.1); c.1185CCT[1], p.Leu397del (NM_001378021.1, NM_001378022.1, NM_001378023.1); short protein forms L426del, L397del, L407del, L476del.
Identifiers: ClinVar variation 2267253 (VCV002267253.2), dbSNP rs1425002202, ClinGen allele CA723121152.